The following is an entry in ClinVar:

NM_000310.4(PPT1):c.163A>T (p.Lys55Ter)

Gene: PPT1 (palmitoyl-protein thioesterase 1; minus strand). Cytogenetic location: 1p34.2.
Variant type: single nucleotide variant.
Coding change: c.163A>T on transcript NM_000310.4 (MANE Select); coding-DNA position 163, A replaced by T.
Protein change: p.Lys55Ter; replaces lysine 55 with a stop codon.
Molecular consequence: nonsense. On other transcripts: intron variant (1).
Genome position (GRCh38, 1-based): chr1:40,092,469, T>A on the plus strand (A>T on the coding strand, the complement: PPT1 is on the minus strand). VCF-style: chr1-40092469-T-A. GRCh37 (hg19) VCF-style: chr1-40558141-T-A.
Other names: c.163A>T, p.Lys55Ter (NM_001363695.2); c.125-2957A>T (NM_001142604.2); short protein forms K55*.
Identifiers: ClinVar variation 56181 (VCV000056181.5), dbSNP rs386833633, ClinGen allele CA263478.

ClinVar aggregate classification (germline): Pathogenic. Review status: criteria provided, multiple submitters, no conflicts (2 of 4 stars). 4 submissions from 4 submitters: Pathogenic (3). 1 of the submissions does not count toward it. Last evaluated 2025-09-24.

Conditions:
Neuronal ceroid lipofuscinosis 1 (CLN1). Also called: CEROID LIPOFUSCINOSIS, NEURONAL, 1, VARIABLE AGE AT ONSET; PPT1-Related Neuronal Ceroid-Lipofuscinosis. Identifiers: Orphanet 228329, MedGen C1850451, MONDO:0009744, OMIM 256730.

Allele frequency attached by ClinVar (database versions not stated): gnomAD exomes below 0.00001.
gnomAD v4.1: 1 of 1,613,928 alleles (0.000062%); highest among the groups gnomAD compares: Non-Finnish European, 0.000085%; no homozygotes.

Submissions (4):

Natera, Inc.
Classification: Pathogenic for Neuronal ceroid lipofuscinosis 1. Last evaluated: 2025-09-24. Review status: criteria provided, single submitter. Criteria: Natera Variant Classification Schema (03/2026). Collection method: clinical testing. Allele origin: germline.
Comment: The c.163A>T variant in PPT1 is a nonsense variant predicted to introduce a stop codon at amino acid 55. This variant is expected to result in nonsense mediated decay, truncation, or a dysfunctional protein product. This variant is rare in the general population with a frequency below the threshold expected for the associated phenotype(s). This variant has been observed in one or more individuals affected with the associated recessive disease, as either homozygous or compound heterozygous with a second variant (PMID: 9733046). Given the available evidence, this variant is classified as Pathogenic.

Labcorp Genetics (formerly Invitae), Labcorp
Classification: Pathogenic for Neuronal ceroid lipofuscinosis 1. Last evaluated: 2025-03-17. Review status: criteria provided, single submitter. Criteria: Invitae Variant Classification Sherloc (09022015). Collection method: clinical testing. Allele origin: germline.
Comment: This sequence change creates a premature translational stop signal (p.Lys55*) in the PPT1 gene. It is expected to result in an absent or disrupted protein product. Loss-of-function variants in PPT1 are known to be pathogenic (PMID: 10679943, 21990111). This variant is not present in population databases (gnomAD no frequency). This premature translational stop signal has been observed in individual(s) with clinical features of PPT1-related conditions (PMID: 7637805, 31512412). ClinVar contains an entry for this variant (Variation ID: 56181). For these reasons, this variant has been classified as Pathogenic.

Baylor Genetics
Classification: Pathogenic for Neuronal ceroid lipofuscinosis 1. Last evaluated: 2022-07-26. Review status: criteria provided, single submitter. Criteria: ACMG Guidelines, 2015. Collection method: clinical testing. Allele origin: unknown.

Juha Muilu Group; Institute for Molecular Medicine Finland (FIMM)
Classification: Likely pathogenic for Ceroid lipofuscinosis neuronal 1. Review status: no assertion criteria provided. Collection method: not provided. Allele origin: unknown. Not counted in ClinVar's aggregate classification.
Comment: FinDis database variant: This variant was not found or characterized by our laboratory, data were collected from public sources: see reference
ClinVar note: Converted during submission from probable-pathogenic to Likely pathogenic.

Literature cited by the submitters: PubMed 9733046 (cited by Natera, Inc.); PubMed 10679943 (cited by Labcorp Genetics (formerly Invitae), Labcorp); PubMed 21990111 (cited by Labcorp Genetics (formerly Invitae), Labcorp); PubMed 7637805 (cited by Labcorp Genetics (formerly Invitae), Labcorp); PubMed 31512412 (cited by Labcorp Genetics (formerly Invitae), Labcorp).